The following is an entry in ClinVar:

ClinVar aggregate classification (germline): Uncertain significance (1 of 4 stars; one submission).

Allele frequency attached by ClinVar (database versions not stated): gnomAD 0.00001; TOPMed 0.00002; gnomAD exomes 0.00003.
gnomAD v4.1: 4 of 1,421,164 alleles (0.00028%); highest among the groups gnomAD compares: Admixed American, 0.012%; no homozygotes.

Submission:

Labcorp Genetics (formerly Invitae), Labcorp
Classification: Uncertain significance. Last evaluated: 2022-06-10. Review status: criteria provided, single submitter. Criteria: Invitae Variant Classification Sherloc (09022015). Collection method: clinical testing. Allele origin: germline.
Comment: This sequence change replaces proline, which is neutral and non-polar, with alanine, which is neutral and non-polar, at codon 542 of the SPEG protein (p.Pro542Ala). This variant is present in population databases (no rsID available, gnomAD 0.02%). This variant has not been reported in the literature in individuals affected with SPEG-related conditions. Algorithms developed to predict the effect of missense changes on protein structure and function are either unavailable or do not agree on the potential impact of this missense change (SIFT: "Tolerated"; PolyPhen-2: "Probably Damaging"; Align-GVGD: "Class C0"). In summary, the available evidence is currently insufficient to determine the role of this variant in disease. Therefore, it has been classified as a Variant of Uncertain Significance.

NM_005876.5(SPEG):c.1624C>G (p.Pro542Ala)

Gene: SPEG (striated muscle enriched protein kinase; plus strand). Cytogenetic location: 2q35.
Variant type: single nucleotide variant.
Coding change: c.1624C>G on transcript NM_005876.5 (MANE Select); coding-DNA position 1624, C replaced by G.
Protein change: p.Pro542Ala; replaces proline 542 with alanine.
Molecular consequence: missense variant.
Genome position (GRCh38, 1-based): chr2:219,448,782, C>G. VCF-style: chr2-219448782-C-G. GRCh37 (hg19) VCF-style: chr2-220313504-C-G.
Other names: short protein forms P542A.
Identifiers: ClinVar variation 1390364 (VCV001390364.3), dbSNP rs983794693, ClinGen allele CA66004757.